The following is an entry in ClinVar:

ClinVar aggregate classification (germline): Uncertain significance. Review status: reviewed by expert panel (3 of 4 stars). 3 submissions from 3 submitters: Uncertain significance (1). 2 of the submissions do not count toward it. Last evaluated 2024-08-27.

Conditions:
Actin accumulation myopathy (CMYO2A). Also called: CONGENITAL MYOPATHY 2A, TYPICAL, AUTOSOMAL DOMINANT; Nemaline myopathy type 3; Myopathy, actin, congenital, with excess of thin myofilaments; Myopathy, actin, congenital, with cores; Nemaline myopathy 3, with intranuclear rods. Identifiers: Orphanet 98904, MedGen C3711389, MONDO:0008070, OMIM 161800.
Alpha-actinopathy. Also called: Actinopathy. Identifiers: MedGen CN295279, MONDO:0100084.

gnomAD v4.1: 8 of 1,614,056 alleles (0.0005%); highest among the groups gnomAD compares: African/African-American, 0.004%; no homozygotes.

Submissions (3):

ClinGen Congenital Myopathies Variant Curation Expert Panel, ClinGen
Classification: Uncertain significance for Alpha-actinopathy. Last evaluated: 2024-08-27. Review status: reviewed by expert panel. Criteria: ClinGen CongenMyopathy ACMG Specifications ACTA1_AD_ V2.0.0. Collection method: curation. Allele origin: germline. Inheritance: Autosomal dominant inheritance.
Comment: The c.334C>A variant in ACTA1 is a missense variant predicted to cause a substitution of leucine by isoleucine at amino acid position 112. The highest filtering allele frequency in gnomAD v4.1.0 is 0.00001063 (3/74926) in the African/African American population (no population codes met). The computational predictor REVEL gives a score of 0.76, which is above the threshold of 0.7 set by the CM VCEP (PP3). ACTA1, in which the variant was identified, is defined by the ClinGen Congenital Myopathies VCEP as a gene that has a low rate of benign missense variation and where pathogenic missense variants are a common mechanism of disease (PP2). In summary, this variant meets the criteria to be classified as uncertain significance for autosomal dominant alpha-actinopathy based on the ACMG/AMP criteria applied, as specified by the ClinGen Congenital Myopathies VCEP: PP2, PP3 (Congenital Myopathies VCEP specifications version 2; 08/27/2024).

Labcorp Genetics (formerly Invitae), Labcorp
Classification: Uncertain significance for Actin accumulation myopathy. Last evaluated: 2024-02-17. Review status: criteria provided, single submitter. Criteria: Invitae Variant Classification Sherloc (09022015). Collection method: clinical testing. Allele origin: germline. Not counted in ClinVar's aggregate classification.
Comment: This sequence change replaces leucine, which is neutral and non-polar, with isoleucine, which is neutral and non-polar, at codon 112 of the ACTA1 protein (p.Leu112Ile). This variant is not present in population databases (gnomAD no frequency). This variant has not been reported in the literature in individuals affected with ACTA1-related conditions. ClinVar contains an entry for this variant (Variation ID: 1034583). Advanced modeling of protein sequence and biophysical properties (such as structural, functional, and spatial information, amino acid conservation, physicochemical variation, residue mobility, and thermodynamic stability) performed at Invitae indicates that this missense variant is not expected to disrupt ACTA1 protein function with a negative predictive value of 80%. In summary, the available evidence is currently insufficient to determine the role of this variant in disease. Therefore, it has been classified as a Variant of Uncertain Significance.

GeneDx
Classification: Uncertain significance. Last evaluated: 2021-08-02. Review status: criteria provided, single submitter. Criteria: GeneDx Variant Classification Process June 2021. Collection method: clinical testing. Allele origin: germline. Affected: yes. Not counted in ClinVar's aggregate classification.
Comment: Not observed at significant frequency in large population cohorts (Lek et al., 2016); The majority of missense variants in this gene are considered pathogenic (Stenson et al., 2014); In silico analysis supports that this missense variant does not alter protein structure/function; Has not been previously published as pathogenic or benign to our knowledge

NM_001100.4(ACTA1):c.334C>A (p.Leu112Ile)

Gene: ACTA1 (actin alpha 1, skeletal muscle; minus strand). Cytogenetic location: 1q42.13.
Variant type: single nucleotide variant.
Coding change: c.334C>A on transcript NM_001100.4 (MANE Select); coding-DNA position 334, C replaced by A.
Protein change: p.Leu112Ile; replaces leucine 112 with isoleucine.
Molecular consequence: missense variant.
Genome position (GRCh38, 1-based): chr1:229,432,676, G>T on the plus strand (C>A on the coding strand, the complement: ACTA1 is on the minus strand). VCF-style: chr1-229432676-G-T. GRCh37 (hg19) VCF-style: chr1-229568423-G-T.
Other names: NM_001100.4(ACTA1):c.334C>A; p.Leu112Ile; short protein forms L112I.
Identifiers: ClinVar variation 1034583 (VCV001034583.11), dbSNP rs146508471, ClinGen allele CA345149813.